The following is an entry in ClinVar:

NM_174936.4(PCSK9):c.229A>G (p.Thr77Ala)

Gene: PCSK9 (proprotein convertase subtilisin/kexin type 9; plus strand). Cytogenetic location: 1p32.3.
Variant type: single nucleotide variant.
Coding change: c.229A>G on transcript NM_174936.4 (MANE Select); coding-DNA position 229, A replaced by G.
Protein change: p.Thr77Ala; replaces threonine 77 with alanine.
Molecular consequence: missense variant. On other transcripts: 5 prime UTR variant (1), non-coding transcript variant (6), intron variant (1).
Genome position (GRCh38, 1-based): chr1:55,043,864, A>G. VCF-style: chr1-55043864-A-G. GRCh37 (hg19) VCF-style: chr1-55509537-A-G.
Other names: c.352A>G, p.Thr118Ala (NM_001407240.1); c.229A>G, p.Thr77Ala (NM_001407241.1, NM_001407242.1, NM_001407243.1 and 2 more transcripts); c.-147A>G (NM_001407246.1); c.208-2659A>G (NM_001407245.1); short protein forms T118A, T77A.
Identifiers: ClinVar variation 3387422 (VCV003387422.1).
Genomic context (GRCh38, chr1:55,043,864, plus strand): 5'-TTCTTCCATGTCATCATGTTCCTCCTTGCATGGGGCCAGGATCCGTGGAGGTTGCCTGGC[A>G]CCTACGTGGTGGTGCTGAAGGAGGAGACCCACCTCTCGCAGTCAGAGCGCACTGCCCGCC-3'
Protein context (NP_777596.2, residues 67-87): CAKDPWRLPG[Thr77Ala]YVVVLKEETH

ClinVar aggregate classification (germline): Uncertain significance (1 of 4 stars; one submission).

Conditions:
Hypercholesterolemia, autosomal dominant, 3 (FHCL3). Also called: Familial Hypercholesterolemia, Autosomal Dominant, 3; PCSK9-Related Familial Hypercholesterolemia, Autosomal Dominant; Familial hypercholesterolemia 3. Identifiers: MedGen C1863551, MONDO:0011369, OMIM 603776.

gnomAD v4.1: 1 of 1,614,192 alleles (0.000062%); highest among the groups gnomAD compares: Non-Finnish European, 0.000085%; no homozygotes.

Submission:

All of Us Research Program, National Institutes of Health
Classification: Uncertain significance for Hypercholesterolemia, autosomal dominant, 3. Last evaluated: 2024-02-22. Review status: criteria provided, single submitter. Criteria: ACMG Guidelines, 2015. Collection method: clinical testing. Allele origin: germline. Inheritance: Autosomal dominant inheritance. Observed: 1 variant allele, 1 heterozygote.
Comment: This missense variant replaces threonine with alanine at codon 77 of the PCSK9 protein. Computational prediction suggests that this variant may not impact protein structure and function (internally defined REVEL score threshold <= 0.5, PMID: 27666373). To our knowledge, functional studies have not been reported for this variant. This variant has not been reported in individuals affected with PCSK9-related disorders in the literature. This variant has not been identified in the general population by the Genome Aggregation Database (gnomAD). The available evidence is insufficient to determine the role of this variant in disease conclusively. Therefore, this variant is classified as a Variant of Uncertain Significance.

This study involves interpretation of variants in research participants for the purpose of population health screening. Participant phenotype was not available at the time of variant classification. Additional details can be found in publication PMID: 35346344, PMCID: PMC8962531